The following is an entry in ClinVar:

NM_006796.3(AFG3L2):c.1144G>A (p.Val382Ile)

Gene: AFG3L2 (AFG3 like matrix AAA peptidase subunit 2; minus strand). Cytogenetic location: 18p11.21.
Variant type: single nucleotide variant.
Coding change: c.1144G>A on transcript NM_006796.3 (MANE Select); coding-DNA position 1144, G replaced by A.
Protein change: p.Val382Ile; replaces valine 382 with isoleucine.
Molecular consequence: missense variant.
Genome position (GRCh38, 1-based): chr18:12,356,714, C>T on the plus strand (G>A on the coding strand, the complement: AFG3L2 is on the minus strand). VCF-style: chr18-12356714-C-T. GRCh37 (hg19) VCF-style: chr18-12356713-C-T.
Other names: short protein forms V382I.
Identifiers: ClinVar variation 2970352 (VCV002970352.4), dbSNP rs1568141724, ClinGen allele CA401953098.
Genomic context (GRCh38, chr18:12,356,714, plus strand): 5'-GTGCAAGGAAGCTGTACCATCCGAACAGAATGAGACTCACTCTAGCAGGGCCCACACCAA[C>T]GAACATCTCCAAAAACTCAGATCCACTAACGGTGATGAAGGGGACATTGGCTTCTCCGGC-3'
Protein context (NP_006787.2, residues 372-392): VSGSEFLEMF[Val382Ile]GVGPARVRDL

ClinVar aggregate classification (germline): Uncertain significance. Review status: criteria provided, multiple submitters, no conflicts (2 of 4 stars). 2 submissions from 2 submitters: Uncertain significance (2). Last evaluated 2023-11-15.

Conditions:
Inborn genetic diseases. Identifiers: MedGen C0950123, MeSH D030342.

Allele frequency attached by ClinVar (database versions not stated): gnomAD exomes below 0.00001; gnomAD 0.00003; TOPMed 0.00004.
gnomAD v4.1: 15 of 1,614,206 alleles (0.00093%); highest among the groups gnomAD compares: Admixed American, 0.0083%; no homozygotes.

Submissions (2):

Ambry Genetics
Classification: Uncertain significance for Inborn genetic diseases. Last evaluated: 2023-11-15. Review status: criteria provided, single submitter. Criteria: Ambry Variant Classification Scheme 2023. Collection method: clinical testing. Allele origin: germline.

Labcorp Genetics (formerly Invitae), Labcorp
Classification: Uncertain significance. Last evaluated: 2023-02-09. Review status: criteria provided, single submitter. Criteria: Invitae Variant Classification Sherloc (09022015). Collection method: clinical testing. Allele origin: germline.
Comment: This sequence change replaces valine, which is neutral and non-polar, with isoleucine, which is neutral and non-polar, at codon 382 of the AFG3L2 protein (p.Val382Ile). This variant is not present in population databases (gnomAD no frequency). This variant has not been reported in the literature in individuals affected with AFG3L2-related conditions. Advanced modeling of protein sequence and biophysical properties (such as structural, functional, and spatial information, amino acid conservation, physicochemical variation, residue mobility, and thermodynamic stability) performed at Invitae indicates that this missense variant is expected to disrupt AFG3L2 protein function. In summary, the available evidence is currently insufficient to determine the role of this variant in disease. Therefore, it has been classified as a Variant of Uncertain Significance.